The following is an entry in ClinVar:

ClinVar aggregate classification (germline): Uncertain significance. Review status: criteria provided, multiple submitters, no conflicts (2 of 4 stars). 3 submissions from 3 submitters: Uncertain significance (3). Last evaluated 2025-04-22.

Conditions:
Inborn genetic diseases. Identifiers: MedGen C0950123, MeSH D030342.
Familial X-linked hypophosphatemic vitamin D refractory rickets (XLHRD). Also called: X-Linked Hypophosphatemia; HYPOPHOSPHATEMIC VITAMIN D-RESISTANT RICKETS; Hypophosphatemic Rickets, X-Linked Dominant; Hypophosphatemia, vitamin D-resistant rickets; Vitamin D-resistant rickets, X-linked. Identifiers: Orphanet 89936, MedGen C0733682, MONDO:0010619, OMIM 307800.

Allele frequency attached by ClinVar (database versions not stated): gnomAD exomes below 0.00001; TOPMed 0.00004; gnomAD 0.00005.
gnomAD v4.1: 10 of 1,207,258 alleles (0.00083%); highest among the groups gnomAD compares: African/African-American, 0.0035%; no homozygotes.

Submissions (3):

Labcorp Genetics (formerly Invitae), Labcorp
Classification: Uncertain significance. Last evaluated: 2025-04-22. Review status: criteria provided, single submitter. Criteria: Invitae Variant Classification Sherloc (09022015). Collection method: clinical testing. Allele origin: germline.
Comment: This sequence change replaces proline, which is neutral and non-polar, with leucine, which is neutral and non-polar, at codon 344 of the PHEX protein (p.Pro344Leu). This variant is present in population databases (no rsID available, gnomAD 0.008%), including at least one homozygous and/or hemizygous individual. This variant has not been reported in the literature in individuals affected with PHEX-related conditions. ClinVar contains an entry for this variant (Variation ID: 2218102). Invitae Evidence Modeling of protein sequence and biophysical properties (such as structural, functional, and spatial information, amino acid conservation, physicochemical variation, residue mobility, and thermodynamic stability) has been performed for this missense variant. However, the output from this modeling did not meet the statistical confidence thresholds required to predict the impact of this variant on PHEX protein function. In summary, the available evidence is currently insufficient to determine the role of this variant in disease. Therefore, it has been classified as a Variant of Uncertain Significance.

Fulgent Genetics
Classification: Uncertain significance for Familial X-linked hypophosphatemic vitamin D refractory rickets. Last evaluated: 2024-05-07. Review status: criteria provided, single submitter. Criteria: ACMG Guidelines, 2015. Collection method: clinical testing. Allele origin: germline.

Ambry Genetics
Classification: Uncertain significance for Inborn genetic diseases. Last evaluated: 2021-11-04. Review status: criteria provided, single submitter. Criteria: Ambry Variant Classification Scheme 2023. Collection method: clinical testing. Allele origin: germline.

NM_000444.6(PHEX):c.1031C>T (p.Pro344Leu)

Gene: PHEX (phosphate regulating endopeptidase X-linked; plus strand). Cytogenetic location: Xp22.11.
Variant type: single nucleotide variant.
Coding change: c.1031C>T on transcript NM_000444.6 (MANE Select); coding-DNA position 1031, C replaced by T.
Protein change: p.Pro344Leu; replaces proline 344 with leucine.
Molecular consequence: missense variant.
Genome position (GRCh38, 1-based): chrX:22,099,103, C>T. VCF-style: chrX-22099103-C-T. GRCh37 (hg19) VCF-style: chrX-22117221-C-T.
Other names: c.1031C>T, p.Pro344Leu (NM_001282754.2); short protein forms P344L.
Identifiers: ClinVar variation 2218102 (VCV002218102.5), dbSNP rs866640200, ClinGen allele CA327522407.